The following is an entry in ClinVar:

NM_017654.4(SAMD9):c.3123T>A (p.Asp1041Glu)

Gene: SAMD9 (sterile alpha motif domain containing 9; minus strand). Cytogenetic location: 7q21.2.
Variant type: single nucleotide variant.
Coding change: c.3123T>A on transcript NM_017654.4 (MANE Select); coding-DNA position 3123, T replaced by A.
Protein change: p.Asp1041Glu; replaces aspartic acid 1041 with glutamic acid.
Molecular consequence: missense variant.
Genome position (GRCh38, 1-based): chr7:93,102,975, A>T on the plus strand (T>A on the coding strand, the complement: SAMD9 is on the minus strand). VCF-style: chr7-93102975-A-T. GRCh37 (hg19) VCF-style: chr7-92732288-A-T.
Other names: c.3123T>A, p.Asp1041Glu (NM_001193307.2); short protein forms D1041E.
Identifiers: ClinVar variation 4159081 (VCV004159081.1).

ClinVar aggregate classification (germline): Uncertain significance (1 of 4 stars; one submission).

Conditions:
Inborn genetic diseases. Identifiers: MedGen C0950123, MeSH D030342.

Submission:

Ambry Genetics
Classification: Uncertain significance for Inborn genetic diseases. Last evaluated: 2025-07-14. Review status: criteria provided, single submitter. Criteria: Ambry Variant Classification Scheme 2023. Collection method: clinical testing. Allele origin: germline.
Comment: The p.D1041E variant (also known as c.3123T>A), located in coding exon 1 of the SAMD9 gene, results from a T to A substitution at nucleotide position 3123. The aspartic acid at codon 1041 is replaced by glutamic acid, an amino acid with highly similar properties. This amino acid position is conserved. In addition, this alteration is predicted to be tolerated by in silico analysis. Based on the available evidence, the clinical significance of this variant remains unclear.